The following is an entry in ClinVar:

NM_001382430.1(AKT1):c.527A>G (p.Tyr176Cys)

Gene: AKT1 (AKT serine/threonine kinase 1; minus strand). Cytogenetic location: 14q32.33.
Variant type: single nucleotide variant.
Coding change: c.527A>G on transcript NM_001382430.1 (MANE Select); coding-DNA position 527, A replaced by G.
Protein change: p.Tyr176Cys; replaces tyrosine 176 with cysteine.
Molecular consequence: missense variant.
Genome position (GRCh38, 1-based): chr14:104,775,116, T>C on the plus strand (A>G on the coding strand, the complement: AKT1 is on the minus strand). VCF-style: chr14-104775116-T-C. GRCh37 (hg19) VCF-style: chr14-105241453-T-C.
Other names: c.527A>G, p.Tyr176Cys (NM_001014431.2, NM_001014432.2, NM_001382431.1 and 3 more transcripts); short protein forms Y176C.
Identifiers: ClinVar variation 2587632 (VCV002587632.2), dbSNP rs2140916915, ClinGen allele CA391219397.

ClinVar aggregate classification (germline): Uncertain significance (1 of 4 stars; one submission).

Conditions:
Inborn genetic diseases. Identifiers: MedGen C0950123, MeSH D030342.

Submission:

Ambry Genetics
Classification: Uncertain significance for Inborn genetic diseases. Last evaluated: 2023-06-24. Review status: criteria provided, single submitter. Criteria: Ambry Variant Classification Scheme 2023. Collection method: clinical testing. Allele origin: germline.
Comment: The p.Y176C variant (also known as c.527A>G), located in coding exon 5 of the AKT1 gene, results from an A to G substitution at nucleotide position 527. The tyrosine at codon 176 is replaced by cysteine, an amino acid with highly dissimilar properties. This amino acid position is conserved. In addition, this alteration is predicted to be deleterious by in silico analysis. Since supporting evidence is limited at this time, the clinical significance of this alteration remains unclear.